The following is an entry in ClinVar:

NC_000001.11:g.12893204G>C

Genes: PRAMEF10 (PRAME family member 10; minus strand), PRAMEF33 (PRAME family member 33; plus strand). Cytogenetic location: 1p36.21.
Variant type: single nucleotide variant.
Molecular consequence: synonymous variant (on NM_001039361.4).
Genome position: GRCh38 VCF-style: chr1-12893204-G-C. GRCh37 (hg19) VCF-style: chr1-12953035-G-C.
Other names: c.1137C>G, p.Leu379= (NM_001039361.4).
Identifiers: ClinVar variation 3388426 (VCV003388426.14).

ClinVar aggregate classification (germline): Likely benign (1 of 4 stars; one submission).

Submission:

CeGaT Center for Human Genetics Tuebingen
Classification: Likely benign. Last evaluated: 2024-09-01. Review status: criteria provided, single submitter. Criteria: CeGaT Center For Human Genetics Tuebingen Variant Classification Criteria Version 2. Collection method: clinical testing. Allele origin: germline. Affected: yes. Observed: 1 variant allele.
Comment: PRAMEF33: PM2:Supporting, BP4, BP7